The following is an entry in ClinVar:

NM_004958.4(MTOR):c.6216+5G>A

Gene: MTOR (mechanistic target of rapamycin kinase; minus strand). Cytogenetic location: 1p36.22.
Variant type: single nucleotide variant.
Coding change: c.6216+5G>A on transcript NM_004958.4 (MANE Select); 5 bases into the intron after coding-DNA position 6216, G replaced by A.
Molecular consequence: intron variant.
Genome position (GRCh38, 1-based): chr1:11,127,619, C>T on the plus strand (G>A on the coding strand, the complement: MTOR is on the minus strand). VCF-style: chr1-11127619-C-T. GRCh37 (hg19) VCF-style: chr1-11187676-C-T.
Other names: c.4968+5G>A (NM_001386501.1); c.6216+5G>A (NM_001386500.1).
Identifiers: ClinVar variation 1465290 (VCV001465290.6), dbSNP rs2100406515, ClinGen allele CA2573130703.

ClinVar aggregate classification (germline): Uncertain significance (1 of 4 stars; one submission).

Submission:

Labcorp Genetics (formerly Invitae), Labcorp
Classification: Uncertain significance. Last evaluated: 2021-08-28. Review status: criteria provided, single submitter. Criteria: Invitae Variant Classification Sherloc (09022015). Collection method: clinical testing. Allele origin: germline.
Comment: In summary, the available evidence is currently insufficient to determine the role of this variant in disease. Therefore, it has been classified as a Variant of Uncertain Significance. Variants that disrupt the consensus splice site are a relatively common cause of aberrant splicing (PMID: 17576681, 9536098). Algorithms developed to predict the effect of sequence changes on RNA splicing suggest that this variant is not likely to affect RNA splicing. This variant has not been reported in the literature in individuals affected with MTOR-related conditions. This variant is not present in population databases (ExAC no frequency). This sequence change falls in intron 44 of the MTOR gene. It does not directly change the encoded amino acid sequence of the MTOR protein. It affects a nucleotide within the consensus splice site of the intron.

Literature cited by the submitters: PubMed 17576681; PubMed 9536098.